The following is an entry in ClinVar:

NM_006493.4(CLN5):c.13G>A (p.Val5Ile)

Gene: CLN5 (CLN5 lysosomal BMP synthase; plus strand). Cytogenetic location: 13q22.3.
Variant type: single nucleotide variant.
Coding change: c.13G>A on transcript NM_006493.4 (MANE Select); coding-DNA position 13, G replaced by A.
Protein change: p.Val5Ile; replaces valine 5 with isoleucine.
Molecular consequence: missense variant.
Genome position (GRCh38, 1-based): chr13:76,992,111, G>A. VCF-style: chr13-76992111-G-A. GRCh37 (hg19) VCF-style: chr13-77566246-G-A.
Other names: c.160G>A (LRG_692t1); c.13G>A, p.Val5Ile (NM_001366624.2); short protein forms V5I.
Identifiers: ClinVar variation 422252 (VCV000422252.5), dbSNP rs1064795659, ClinGen allele CA16619819.

ClinVar aggregate classification (germline): Uncertain significance. Review status: criteria provided, multiple submitters, no conflicts (2 of 4 stars). 4 submissions from 4 submitters: Uncertain significance (3). 1 of the submissions does not count toward it. Last evaluated 2023-05-16.

Conditions:
CLN5-related disorder. Also called: CLN5-related condition.
Neuronal ceroid lipofuscinosis. Also called: Neuronal Ceroid Lipofuscinoses. Identifiers: Orphanet 216, Orphanet 79263, MedGen C0027877, MONDO:0016295. Disease mechanism: loss of function.

Allele frequency attached by ClinVar (database versions not stated): gnomAD 0.00001; gnomAD exomes 0.00001; TOPMed 0.00001.
gnomAD v4.1: 8 of 1,611,804 alleles (0.0005%); highest among the groups gnomAD compares: Non-Finnish European, 0.00068%; no homozygotes.

Submissions (4):

PreventionGenetics, part of Exact Sciences
Classification: Uncertain significance for CLN5-related condition. Last evaluated: 2023-05-16. Review status: criteria provided, single submitter. Criteria: ACMG Guidelines, 2015. Collection method: clinical testing. Allele origin: germline.
Comment: The CLN5 c.160G>A variant is predicted to result in the amino acid substitution p.Val54Ile. To our knowledge, this variant has not been reported in the literature. This variant is reported in 0.0026% of alleles in individuals of European (Non-Finnish) descent in gnomAD. At this time, the clinical significance of this variant is uncertain due to the absence of conclusive functional and genetic evidence.

Labcorp Genetics (formerly Invitae), Labcorp
Classification: Uncertain significance for Neuronal ceroid lipofuscinosis. Last evaluated: 2022-03-26. Review status: criteria provided, single submitter. Criteria: Invitae Variant Classification Sherloc (09022015). Collection method: clinical testing. Allele origin: germline.
Comment: This sequence change replaces valine, which is neutral and non-polar, with isoleucine, which is neutral and non-polar, at codon 54 of the CLN5 protein (p.Val54Ile). The frequency data for this variant in the population databases is considered unreliable, as metrics indicate poor data quality at this position in the gnomAD database. This variant has not been reported in the literature in individuals affected with CLN5-related conditions. ClinVar contains an entry for this variant (Variation ID: 422252). Algorithms developed to predict the effect of missense changes on protein structure and function (SIFT, PolyPhen-2, Align-GVGD) all suggest that this variant is likely to be tolerated. Algorithms developed to predict the effect of sequence changes on RNA splicing suggest that this variant may disrupt the consensus splice site. In summary, the available evidence is currently insufficient to determine the role of this variant in disease. Therefore, it has been classified as a Variant of Uncertain Significance.

GeneDx
Classification: Uncertain significance. Last evaluated: 2016-09-22. Review status: criteria provided, single submitter. Criteria: GeneDx Variant Classification (06012015). Collection method: clinical testing. Allele origin: germline. Affected: yes.
Comment: A variant of uncertain significance has been identified in the CLN5 gene. The V54I variant has not been published as a pathogenic variant, nor has it been reported as a benign variant to our knowledge. It was not observed in approximately 6,400 individuals of European and African American ancestry in the NHLBI Exome Sequencing Project, indicating it is not a common benign variant in these populations. The V54I variant is a conservative amino acid substitution, which is not likely to impact secondary protein structure as these residues share similar properties. This substitution occurs at a position that is not conserved, and in silico analysis predicts this variant likely does not alter the protein structure/function. Based on the currently available information, it is unclear whether this variant is a pathogenic variant or a rare benign variant.

Natera, Inc.
Classification: Uncertain significance for Neuronal ceroid lipofuscinosis. Last evaluated: 2020-09-25. Review status: no assertion criteria provided. Collection method: clinical testing. Allele origin: germline. Not counted in ClinVar's aggregate classification.